The following is an entry in ClinVar:

NM_001271.4(CHD2):c.1220C>T (p.Pro407Leu)

Gene: CHD2 (chromodomain helicase DNA binding protein 2; plus strand). Cytogenetic location: 15q26.1.
Variant type: single nucleotide variant.
Coding change: c.1220C>T on transcript NM_001271.4 (MANE Select); coding-DNA position 1220, C replaced by T.
Protein change: p.Pro407Leu; replaces proline 407 with leucine.
Molecular consequence: missense variant.
Genome position (GRCh38, 1-based): chr15:92,946,059, C>T. VCF-style: chr15-92946059-C-T. GRCh37 (hg19) VCF-style: chr15-93489289-C-T.
Other names: c.1220C>T, p.Pro407Leu (NM_001042572.3); short protein forms P407L.
Identifiers: ClinVar variation 385549 (VCV000385549.13), dbSNP rs372219984, ClinGen allele CA7747759.

ClinVar aggregate classification (germline): Likely benign. Review status: criteria provided, multiple submitters, no conflicts (2 of 4 stars). 3 submissions from 3 submitters: Likely benign (3). Last evaluated 2025-06-10.

Conditions:
Inborn genetic diseases. Identifiers: MedGen C0950123, MeSH D030342.
Developmental and epileptic encephalopathy 94 (DEE94). Also called: Epileptic encephalopathy, childhood-onset; CHD2-Related Neurodevelopmental Disorders. Identifiers: Orphanet 1942, Orphanet 2382, MedGen C3809278, MONDO:0014150, OMIM 615369.

Allele frequency attached by ClinVar (database versions not stated): gnomAD 0.00001; TOPMed 0.00003; ESP Exome Variant Server 0.00008; gnomAD exomes 0.00010; ExAC 0.00015.
gnomAD v4.1: 29 of 1,594,370 alleles (0.0018%); highest among the groups gnomAD compares: Admixed American, 0.031%; no homozygotes.

Submissions (3):

Labcorp Genetics (formerly Invitae), Labcorp
Classification: Likely benign for Developmental and epileptic encephalopathy 94. Last evaluated: 2025-06-10. Review status: criteria provided, single submitter. Criteria: Invitae Variant Classification Sherloc (09022015). Collection method: clinical testing. Allele origin: germline.

Ambry Genetics
Classification: Likely benign for Inborn genetic diseases. Last evaluated: 2017-08-25. Review status: criteria provided, single submitter. Criteria: Ambry Variant Classification Scheme 2023. Collection method: clinical testing. Allele origin: germline.

GeneDx
Classification: Likely benign. Last evaluated: 2016-04-26. Review status: criteria provided, single submitter. Criteria: GeneDx Variant Classification (06012015). Collection method: clinical testing. Allele origin: germline. Affected: yes.
Comment: This variant is considered likely benign or benign based on one or more of the following criteria: it is a conservative change, it occurs at a poorly conserved position in the protein, it is predicted to be benign by multiple in silico algorithms, and/or has population frequency not consistent with disease.